The following is an entry in ClinVar:

ClinVar aggregate classification (germline): Benign. Review status: criteria provided, multiple submitters, no conflicts (2 of 4 stars). 6 submissions from 6 submitters: Benign (6). Last evaluated 2026-02-04.

Conditions:
Combined oxidative phosphorylation defect type 17. Also called: Combined oxidative phosphorylation deficiency 17. Identifiers: Orphanet 369913, MedGen C3809526, MONDO:0014190, OMIM 615440.
Prostate cancer, hereditary, 2 (HPC2). Identifiers: Orphanet 1331, MedGen C3539120, MONDO:0013872, OMIM 614731.

Allele frequency attached by ClinVar (database versions not stated): 1000 Genomes Project 0.20627; 1000 Genomes Project 30x 0.21159; TOPMed 0.25952; gnomAD 0.26633 and 0.26965; ESP Exome Variant Server 0.26972; gnomAD exomes 0.27178 and 0.29016; ExAC 0.28078.

Submissions (6):

Labcorp Genetics (formerly Invitae), Labcorp
Classification: Benign for Combined oxidative phosphorylation defect type 17. Last evaluated: 2026-02-04. Review status: criteria provided, single submitter. Criteria: Invitae Variant Classification Sherloc (09022015). Collection method: clinical testing. Allele origin: germline.

Blueprint Genetics
Classification: Benign. Last evaluated: 2024-11-28. Review status: criteria provided, single submitter. Criteria: ACMG Guidelines, 2015. Collection method: clinical testing. Allele origin: germline.

KCCC/NGS Laboratory, Kuwait Cancer Control Center
Classification: Benign for Prostate cancer, hereditary, 2. Last evaluated: 2023-07-07. Review status: criteria provided, single submitter. Criteria: ACMG Guidelines, 2015. Collection method: clinical testing. Allele origin: germline. Affected: yes.

Genome-Nilou Lab
Classification: Benign for Combined oxidative phosphorylation defect type 17. Last evaluated: 2021-07-30. Review status: criteria provided, single submitter. Criteria: ACMG Guidelines, 2015. Collection method: clinical testing. Allele origin: germline. Affected: no.

GeneDx
Classification: Benign. Last evaluated: 2015-12-02. Review status: criteria provided, single submitter. Criteria: GeneDx Variant Classification (06012015). Collection method: clinical testing. Allele origin: germline. Affected: yes.
Comment: This variant is considered likely benign or benign based on one or more of the following criteria: it is a conservative change, it occurs at a poorly conserved position in the protein, it is predicted to be benign by multiple in silico algorithms, and/or has population frequency not consistent with disease.

Breakthrough Genomics
Classification: Benign. Review status: criteria provided, single submitter. Criteria: ACMG Guidelines, 2015. Collection method: not provided. Allele origin: germline. Inheritance: Autosomal recessive inheritance. Affected: yes.

NM_018127.7(ELAC2):c.1218+15C>T

Gene: ELAC2 (elaC ribonuclease Z 2; minus strand). Cytogenetic location: 17p12.
Variant type: single nucleotide variant.
Coding change: c.1218+15C>T on transcript NM_018127.7 (MANE Select); 15 bases into the intron after coding-DNA position 1218, C replaced by T.
Molecular consequence: intron variant.
Genome position (GRCh38, 1-based): chr17:13,002,426, G>A on the plus strand (C>T on the coding strand, the complement: ELAC2 is on the minus strand). VCF-style: chr17-13002426-G-A. GRCh37 (hg19) VCF-style: chr17-12905743-G-A.
Other names: c.1098+15C>T (NM_001165962.2, NM_001165962.1); c.1218+15C>T (NM_173717.2).
Identifiers: ClinVar variation 379968 (VCV000379968.14), dbSNP rs55825263, ClinGen allele CA8401318.